The following is an entry in ClinVar:

NM_000288.4(PEX7):c.716T>C (p.Leu239Pro)

Gene: PEX7 (peroxisomal biogenesis factor 7; plus strand). Cytogenetic location: 6q23.3.
Variant type: single nucleotide variant.
Coding change: c.716T>C on transcript NM_000288.4 (MANE Select); coding-DNA position 716, T replaced by C.
Protein change: p.Leu239Pro; replaces leucine 239 with proline.
Molecular consequence: missense variant.
Genome position (GRCh38, 1-based): chr6:136,869,972, T>C. VCF-style: chr6-136869972-T-C. GRCh37 (hg19) VCF-style: chr6-137191110-T-C.
Other names: short protein forms L239P.
Identifiers: ClinVar variation 1407741 (VCV001407741.4), dbSNP rs754346713, ClinGen allele CA4017700.
Genomic context (GRCh38, chr6:136,869,972, plus strand): 5'-TTGACTGTAGTTTGAGAGGCTGGGACTTAAGGAATGTACGACAACCAGTGTTTGAACTTC[T>C]TGGTCATACCTATGCTATTAGGAGGGTGAAAGTAAGTTTTCATCTTTTCTTTTATATGTA-3'
Protein context (NP_000279.1, residues 229-249): RNVRQPVFEL[Leu239Pro]GHTYAIRRVK

ClinVar aggregate classification (germline): Uncertain significance. Review status: criteria provided, multiple submitters, no conflicts (2 of 4 stars). 2 submissions from 2 submitters: Uncertain significance (2). Last evaluated 2021-12-19.

Conditions:
Peroxisome biogenesis disorder 9B. Also called: PEX7-Related Refsum Disease; Refsum disease, adult, 2; PEROXISOME BIOGENESIS DISORDER, PEX7-RELATED, ATYPICAL. Identifiers: Orphanet 773, MedGen C2749346, MONDO:0013945, OMIM 614879.

Allele frequency attached by ClinVar (database versions not stated): gnomAD exomes below 0.00001; ExAC 0.00001.

Submissions (2):

Labcorp Genetics (formerly Invitae), Labcorp
Classification: Uncertain significance for Peroxisome biogenesis disorder 9B. Last evaluated: 2021-12-19. Review status: criteria provided, single submitter. Criteria: Invitae Variant Classification Sherloc (09022015). Collection method: clinical testing. Allele origin: germline.
Comment: This sequence change replaces leucine, which is neutral and non-polar, with proline, which is neutral and non-polar, at codon 239 of the PEX7 protein (p.Leu239Pro). This variant is present in population databases (rs754346713, gnomAD 0.0009%). This variant has not been reported in the literature in individuals affected with PEX7-related conditions. Algorithms developed to predict the effect of missense changes on protein structure and function (SIFT, PolyPhen-2, Align-GVGD) all suggest that this variant is likely to be tolerated. In summary, the available evidence is currently insufficient to determine the role of this variant in disease. Therefore, it has been classified as a Variant of Uncertain Significance.

Blueprint Genetics
Classification: Uncertain significance. Last evaluated: 2018-06-20. Review status: criteria provided, single submitter. Criteria: ACMG Guidelines, 2015. Collection method: clinical testing. Allele origin: germline.